The following is an entry in ClinVar:

ClinVar aggregate classification (germline): Uncertain significance (1 of 4 stars; one submission).

Conditions:
Rauch-Steindl syndrome (RAUST). Identifiers: Orphanet 659642, MedGen C5562061, MONDO:0859219, OMIM 619695.

Submission:

3billion
Classification: Uncertain significance for Rauch-Steindl syndrome. Last evaluated: 2025-08-13. Review status: criteria provided, single submitter. Criteria: ACMG Guidelines, 2015. Collection method: clinical testing. Allele origin: germline. Affected: yes.
Comment: The variant is not observed in the gnomAD v4.1.0 dataset. Predicted Consequence/Location: Missense variant. Missense changes are a common disease-causing mechanism. In silico tool predictions suggest damaging effect of the variant on gene or gene product [REVEL: 0.62 (>=0.6, sensitivity 0.68 and specificity 0.92); 3Cnet: 0.97 (> 0.75, sensitivity 0.96 and precision 0.92)]. Therefore, this variant is classified as VUS according to the recommendation of ACMG/AMP guideline.

NM_001042424.3(NSD2):c.3546T>A (p.Asp1182Glu)

Gene: NSD2 (nuclear receptor binding SET domain protein 2; plus strand). Cytogenetic location: 4p16.3.
Variant type: single nucleotide variant.
Coding change: c.3546T>A on transcript NM_001042424.3 (MANE Select); coding-DNA position 3546, T replaced by A.
Protein change: p.Asp1182Glu; replaces aspartic acid 1182 with glutamic acid.
Molecular consequence: missense variant.
Genome position (GRCh38, 1-based): chr4:1,975,325, T>A. VCF-style: chr4-1975325-T-A. GRCh37 (hg19) VCF-style: chr4-1977052-T-A.
Other names: c.3546T>A, p.Asp1182Glu (NM_001440892.1, NM_133330.3, NM_133331.3 and 1 more transcripts); c.3645T>A, p.Asp1215Glu (NM_001440893.1); c.3429T>A, p.Asp1143Glu (NM_001440894.1); c.3399T>A, p.Asp1133Glu (NM_001440895.1); c.3345T>A, p.Asp1115Glu (NM_001440896.1); c.3339T>A, p.Asp1113Glu (NM_001440897.1); c.3222T>A, p.Asp1074Glu (NM_001440898.1); c.2577T>A, p.Asp859Glu (NM_001440899.1, NM_001440900.1); short protein forms D1074E, D1113E, D1115E, D1133E, D1143E, D1182E, D1215E, D859E.
Identifiers: ClinVar variation 4855714 (VCV004855714.1).